The following is an entry in ClinVar:

NM_153676.4(USH1C):c.1086-12G>A

Gene: USH1C (USH1 protein network component harmonin; minus strand). Cytogenetic location: 11p15.1.
Variant type: single nucleotide variant.
Coding change: c.1086-12G>A on transcript NM_153676.4 (MANE Select); 12 bases into the intron before coding-DNA position 1086, G replaced by A.
Molecular consequence: intron variant.
Genome position (GRCh38, 1-based): chr11:17,521,006, C>T on the plus strand (G>A on the coding strand, the complement: USH1C is on the minus strand). VCF-style: chr11-17521006-C-T. GRCh37 (hg19) VCF-style: chr11-17542553-C-T.
Other names: c.1029-12G>A (NM_001297764.2); c.1086-12G>A (NM_005709.4).
Identifiers: ClinVar variation 47974 (VCV000047974.22), dbSNP rs11024318, ClinGen allele CA142288.
Genomic context (GRCh38, chr11:17,521,006, plus strand): 5'-CCAGTCTTCTTCCCATTGCTTCTTAAACTTCTCTTCCTCCTCTACAATCCTAAAATGAGA[C>T]CCCCATGCCTGTTACTGGAGTCAGAACCCCCATAGGCCCATCTCCTGCATATCGGAGAGC-3'

ClinVar aggregate classification (germline): Benign. Review status: criteria provided, multiple submitters, no conflicts (2 of 4 stars). 8 submissions from 7 submitters: Benign (8). Last evaluated 2026-02-04.

Conditions:
Autosomal recessive nonsyndromic hearing loss 18A. Also called: DEAFNESS, AUTOSOMAL RECESSIVE 18; Deafness, autosomal recessive 18A. Identifiers: Orphanet 90636, MedGen C1865870, MONDO:0011192, OMIM 602092.
Usher syndrome type 1C. Also called: USHER SYNDROME, TYPE I, ACADIAN VARIETY. Identifiers: Orphanet 231169, Orphanet 886, MedGen C1848604, MONDO:0010171, OMIM 276904.

Allele frequency attached by ClinVar (database versions not stated): gnomAD exomes 0.06029; ExAC 0.06077; 1000 Genomes Project 0.08566; gnomAD 0.08691 and 0.09048; 1000 Genomes Project 30x 0.08760; ESP Exome Variant Server 0.09310; TOPMed 0.09640.

Submissions (8):

Labcorp Genetics (formerly Invitae), Labcorp
Classification: Benign. Last evaluated: 2026-02-04. Review status: criteria provided, single submitter. Criteria: Invitae Variant Classification Sherloc (09022015). Collection method: clinical testing. Allele origin: germline.

Genome-Nilou Lab
Classification: Benign for Usher syndrome type 1C. Last evaluated: 2021-07-10. Review status: criteria provided, single submitter. Criteria: ACMG Guidelines, 2015. Collection method: clinical testing. Allele origin: germline. Affected: no.

Genome-Nilou Lab
Classification: Benign for Autosomal recessive nonsyndromic hearing loss 18A. Last evaluated: 2021-07-10. Review status: criteria provided, single submitter. Criteria: ACMG Guidelines, 2015. Collection method: clinical testing. Allele origin: germline. Affected: no.

Illumina Laboratory Services, Illumina
Classification: Benign for Usher syndrome type 1C. Last evaluated: 2018-01-13. Review status: criteria provided, single submitter. Criteria: ICSL Variant Classification Criteria 13 December 2019. Collection method: clinical testing. Allele origin: germline.
Comment: This variant was observed in the ICSL laboratory as part of a predisposition screen in an ostensibly healthy population. It had not been previously curated by ICSL or reported in the Human Gene Mutation Database (HGMD: prior to June 1st, 2018), and was therefore a candidate for classification through an automated scoring system. Utilizing variant allele frequency, disease prevalence and penetrance estimates, and inheritance mode, an automated score was calculated to assess if this variant is too frequent to cause the disease. Based on the score and internal cut-off values, a variant classified as benign is not then subjected to further curation. The score for this variant resulted in a classification of benign for this disease.

GeneDx
Classification: Benign. Last evaluated: 2013-04-30. Review status: criteria provided, single submitter. Criteria: GeneDx Variant Classification (06012015). Collection method: clinical testing. Allele origin: germline. Affected: yes.
Comment: This variant is considered likely benign or benign based on one or more of the following criteria: it is a conservative change, it occurs at a poorly conserved position in the protein, it is predicted to be benign by multiple in silico algorithms, and/or has population frequency not consistent with disease.

Laboratory for Molecular Medicine, Mass General Brigham Personalized Medicine
Classification: Benign. Last evaluated: 2009-06-24. Review status: criteria provided, single submitter. Criteria: LMM Criteria. Collection method: clinical testing. Allele origin: germline. Observed: 243 variant alleles.

Breakthrough Genomics
Classification: Benign. Review status: criteria provided, single submitter. Criteria: ACMG Guidelines, 2015. Collection method: not provided. Allele origin: germline. Inheritance: Autosomal recessive inheritance. Affected: yes.

PreventionGenetics, part of Exact Sciences
Classification: Benign. Review status: criteria provided, single submitter. Criteria: ACMG Guidelines, 2015. Collection method: clinical testing. Allele origin: germline.